The following is an entry in ClinVar:

NM_001170700.3(DTHD1):c.2503C>G (p.Leu835Val)

Gene: DTHD1 (death domain containing 1; plus strand). Cytogenetic location: 4p14.
Variant type: single nucleotide variant.
Coding change: c.2503C>G on transcript NM_001170700.3 (MANE Select); coding-DNA position 2503, C replaced by G.
Protein change: p.Leu835Val; replaces leucine 835 with valine.
Molecular consequence: missense variant. On other transcripts: non-coding transcript variant (2).
Genome position (GRCh38, 1-based): chr4:36,343,606, C>G. VCF-style: chr4-36343606-C-G. GRCh37 (hg19) VCF-style: chr4-36345228-C-G.
Other names: c.1633C>G, p.Leu545Val (NM_001136536.5); c.1512C>G, p.Ser504Arg (NM_001378435.1); short protein forms L545V, S504R, L835V.
Identifiers: ClinVar variation 1039982 (VCV001039982.8), dbSNP rs1759441883, ClinGen allele CA356682229.

ClinVar aggregate classification (germline): Uncertain significance (1 of 4 stars; one submission).

Submission:

Labcorp Genetics (formerly Invitae), Labcorp
Classification: Uncertain significance. Last evaluated: 2022-10-18. Review status: criteria provided, single submitter. Criteria: Invitae Variant Classification Sherloc (09022015). Collection method: clinical testing. Allele origin: germline.
Comment: This sequence change replaces leucine, which is neutral and non-polar, with valine, which is neutral and non-polar, at codon 545 of the DTHD1 protein (p.Leu545Val). This variant is not present in population databases (gnomAD no frequency). This variant has not been reported in the literature in individuals affected with DTHD1-related conditions. ClinVar contains an entry for this variant (Variation ID: 1039982). Algorithms developed to predict the effect of missense changes on protein structure and function are either unavailable or do not agree on the potential impact of this missense change (SIFT: "Deleterious"; PolyPhen-2: "Benign"; Align-GVGD: "Class C0"). In summary, the available evidence is currently insufficient to determine the role of this variant in disease. Therefore, it has been classified as a Variant of Uncertain Significance.